The following is an entry in ClinVar:

NM_001318895.3(FHL2):c.84C>T (p.Cys28=)

Gene: FHL2 (four and a half LIM domains 2; minus strand). Cytogenetic location: 2q12.2.
Variant type: single nucleotide variant.
Coding change: c.84C>T on transcript NM_001318895.3 (MANE Select); coding-DNA position 84, C replaced by T.
Protein change: p.Cys28=; no amino-acid change (cysteine 28 retained).
Molecular consequence: synonymous variant. On other transcripts: 5 prime UTR variant (3).
Genome position (GRCh38, 1-based): chr2:105,386,433, G>A on the plus strand (C>T on the coding strand, the complement: FHL2 is on the minus strand). VCF-style: chr2-105386433-G-A. GRCh37 (hg19) VCF-style: chr2-106002890-G-A.
Other names: c.84C>T, p.Cys28= (NM_001039492.3, NM_001318894.1, NM_001318896.2 and 4 more transcripts); c.-84C>T (NM_001318897.2, NM_001318898.2); c.-363C>T (NM_001318899.2).
Identifiers: ClinVar variation 504744 (VCV000504744.12), dbSNP rs375234968, ClinGen allele CA1814872.

ClinVar aggregate classification (germline): Benign/Likely benign. Review status: criteria provided, multiple submitters, no conflicts (2 of 4 stars). 3 submissions from 3 submitters: Benign (1); Likely benign (2). Last evaluated 2026-01-13.

Conditions:
Primary dilated cardiomyopathy (DCM). Also called: Dilated Cardiomyopathy. Identifiers: Orphanet 217604, MedGen C0007193, MeSH D002311, MONDO:0005021, HP:0001644. Inheritance: Various modes of inheritance.
Cardiomyopathy (CMYO). Also called: Cardiomyopathies. Identifiers: Orphanet 167848, MedGen C0878544, MONDO:0004994, HP:0001638. Inheritance: Various modes of inheritance.

Allele frequency attached by ClinVar (database versions not stated): gnomAD 0.00004; gnomAD exomes 0.00005 and 0.00010; TOPMed 0.00005; ESP Exome Variant Server 0.00008; ExAC 0.00012; 1000 Genomes Project 30x 0.00016; 1000 Genomes Project 0.00020.
gnomAD v4.1: 83 of 1,614,250 alleles (0.0051%); highest among the groups gnomAD compares: Admixed American, 0.023%; no homozygotes.

Submissions (3):

Labcorp Genetics (formerly Invitae), Labcorp
Classification: Likely benign for Primary dilated cardiomyopathy. Last evaluated: 2026-01-13. Review status: criteria provided, single submitter. Criteria: Invitae Variant Classification Sherloc (09022015). Collection method: clinical testing. Allele origin: germline.

CHEO Genetics Diagnostic Laboratory, Children's Hospital of Eastern Ontario
Classification: Benign for Cardiomyopathy. Last evaluated: 2018-02-01. Review status: criteria provided, single submitter. Criteria: ACMG Guidelines, 2015. Collection method: clinical testing. Allele origin: germline.

Laboratory for Molecular Medicine, Mass General Brigham Personalized Medicine
Classification: Likely benign. Last evaluated: 2017-08-25. Review status: criteria provided, single submitter. Criteria: LMM Criteria. Collection method: clinical testing. Allele origin: germline. Observed: 1 variant allele.
Comment: p.Cys28Cys in exon 2 of FHL2: This variant is not expected to have clinical sign ificance because it does not alter an amino acid residue and is not located with in the splice consensus sequence. It has been identified in 11/30782 South Asian chromosomes and 10/34414 Latino chromosomes by the Genome Aggregation Database (gnomAD; dbSNP rs375234968)